The following is an entry in ClinVar:

ClinVar aggregate classification (germline): Uncertain significance (1 of 4 stars; one submission).

Allele frequency attached by ClinVar (database versions not stated): gnomAD exomes 0.00001.

Submission:

Labcorp Genetics (formerly Invitae), Labcorp
Classification: Uncertain significance. Last evaluated: 2024-05-08. Review status: criteria provided, single submitter. Criteria: Invitae Variant Classification Sherloc (09022015). Collection method: clinical testing. Allele origin: germline.
Comment: This sequence change creates a premature translational stop signal (p.Gln152Argfs*2) in the ALPK3 gene. However, it is currently unclear if variants that occur in this region of the gene cause disease. This variant is not present in population databases (gnomAD no frequency). This variant has not been reported in the literature in individuals affected with ALPK3-related conditions. ClinVar contains an entry for this variant (Variation ID: 1502925). Experimental studies and prediction algorithms are not available or were not evaluated, and the functional significance of this variant is currently unknown. In summary, the available evidence is currently insufficient to determine the role of this variant in disease. Therefore, it has been classified as a Variant of Uncertain Significance.

NC_000015.10:g.84817301del

Gene: ALPK3 (alpha kinase 3; plus strand). Cytogenetic location: 15q25.3.
Variant type: Deletion.
Genome position: GRCh38 VCF-style: chr15-84817300-CA-C. GRCh37 (hg19) VCF-style: chr15-85360531-CA-C.
Identifiers: ClinVar variation 1502925 (VCV001502925.6), dbSNP rs2141541974, ClinGen allele CA2573151294.